The following is an entry in ClinVar:

ClinVar aggregate classification (germline): Uncertain significance. Review status: criteria provided, multiple submitters, no conflicts (2 of 4 stars). 2 submissions from 2 submitters: Uncertain significance (2). Last evaluated 2022-06-22.

Conditions:
Inborn genetic diseases. Identifiers: MedGen C0950123, MeSH D030342.
Charcot-Marie-Tooth disease type 4. Also called: Charcot-Marie-Tooth disease, type IV; Charcot-Marie-Tooth, Type 4. Identifiers: Orphanet 64749, MedGen C4082197, MONDO:0018995.

gnomAD v4.1: 5 of 1,604,956 alleles (0.00031%); highest among the groups gnomAD compares: African/African-American, 0.004%; no homozygotes.

Submissions (2):

Labcorp Genetics (formerly Invitae), Labcorp
Classification: Uncertain significance for Charcot-Marie-Tooth disease type 4. Last evaluated: 2022-06-22. Review status: criteria provided, single submitter. Criteria: Invitae Variant Classification Sherloc (09022015). Collection method: clinical testing. Allele origin: germline.
Comment: This variant is not present in population databases (gnomAD no frequency). This sequence change replaces arginine, which is basic and polar, with histidine, which is basic and polar, at codon 1411 of the PRX protein (p.Arg1411His). This variant has not been reported in the literature in individuals affected with PRX-related conditions. In summary, the available evidence is currently insufficient to determine the role of this variant in disease. Therefore, it has been classified as a Variant of Uncertain Significance. Algorithms developed to predict the effect of missense changes on protein structure and function output the following: SIFT: "Deleterious"; PolyPhen-2: "Possibly Damaging"; Align-GVGD: "Class C0". The histidine amino acid residue is found in multiple mammalian species, which suggests that this missense change does not adversely affect protein function.

Ambry Genetics
Classification: Uncertain significance for Inborn genetic diseases. Last evaluated: 2022-05-03. Review status: criteria provided, single submitter. Criteria: Ambry Variant Classification Scheme 2023. Collection method: clinical testing. Allele origin: germline.
Comment: The p.R1411H variant (also known as c.4232G>A), located in coding exon 4 of the PRX gene, results from a G to A substitution at nucleotide position 4232. The arginine at codon 1411 is replaced by histidine, an amino acid with highly similar properties. This amino acid position is conserved. In addition, this alteration is predicted to be tolerated by in silico analysis. Since supporting evidence is limited at this time, the clinical significance of this alteration remains unclear.

NM_181882.3(PRX):c.4232G>A (p.Arg1411His)

Gene: PRX (periaxin; minus strand). Cytogenetic location: 19q13.2.
Variant type: single nucleotide variant.
Coding change: c.4232G>A on transcript NM_181882.3 (MANE Select); coding-DNA position 4232, G replaced by A.
Protein change: p.Arg1411His; replaces arginine 1411 with histidine.
Molecular consequence: missense variant. On other transcripts: 3 prime UTR variant (1).
Genome position (GRCh38, 1-based): chr19:40,394,120, C>T on the plus strand (G>A on the coding strand, the complement: PRX is on the minus strand). VCF-style: chr19-40394120-C-T. GRCh37 (hg19) VCF-style: chr19-40900027-C-T.
Other names: c.*4437G>A (NM_020956.2); short protein forms R1411H.
Identifiers: ClinVar variation 1442408 (VCV001442408.6), dbSNP rs1005254872, ClinGen allele CA308415686.